The following is an entry in ClinVar:

ClinVar aggregate classification (germline): Uncertain significance (1 of 4 stars; one submission).

Allele frequency attached by ClinVar (database versions not stated): gnomAD exomes below 0.00001; TOPMed 0.00001.
gnomAD v4.1: 1 of 1,588,950 alleles (0.000063%); highest among the groups gnomAD compares: South Asian, 0.0011%; no homozygotes.

Submission:

Labcorp Genetics (formerly Invitae), Labcorp
Classification: Uncertain significance. Last evaluated: 2022-02-03. Review status: criteria provided, single submitter. Criteria: Invitae Variant Classification Sherloc (09022015). Collection method: clinical testing. Allele origin: germline.
Comment: This variant is not present in population databases (gnomAD no frequency). This variant has not been reported in the literature in individuals affected with NEUROG3-related conditions. Algorithms developed to predict the effect of missense changes on protein structure and function output the following: SIFT: "Tolerated"; PolyPhen-2: "Benign"; Align-GVGD: "Class C0". The threonine amino acid residue is found in multiple mammalian species, which suggests that this missense change does not adversely affect protein function. In summary, the available evidence is currently insufficient to determine the role of this variant in disease. Therefore, it has been classified as a Variant of Uncertain Significance. This sequence change replaces alanine, which is neutral and non-polar, with threonine, which is neutral and polar, at codon 186 of the NEUROG3 protein (p.Ala186Thr).

NM_020999.4(NEUROG3):c.556G>A (p.Ala186Thr)

Gene: NEUROG3 (neurogenin 3; minus strand). Cytogenetic location: 10q22.1.
Variant type: single nucleotide variant.
Coding change: c.556G>A on transcript NM_020999.4 (MANE Select); coding-DNA position 556, G replaced by A.
Protein change: p.Ala186Thr; replaces alanine 186 with threonine.
Molecular consequence: missense variant.
Genome position (GRCh38, 1-based): chr10:69,572,488, C>T on the plus strand (G>A on the coding strand, the complement: NEUROG3 is on the minus strand). VCF-style: chr10-69572488-C-T. GRCh37 (hg19) VCF-style: chr10-71332244-C-T.
Other names: short protein forms A186T.
Identifiers: ClinVar variation 1936989 (VCV001936989.5), dbSNP rs1839226427, ClinGen allele CA376921538.